The following is an entry in ClinVar:

NM_020937.4(FANCM):c.5026G>A (p.Glu1676Lys)

Gene: FANCM (FA complementation group M; plus strand). Cytogenetic location: 14q21.2.
Variant type: single nucleotide variant.
Coding change: c.5026G>A on transcript NM_020937.4 (MANE Select); coding-DNA position 5026, G replaced by A.
Protein change: p.Glu1676Lys; replaces glutamic acid 1676 with lysine.
Molecular consequence: missense variant.
Genome position (GRCh38, 1-based): chr14:45,189,048, G>A. VCF-style: chr14-45189048-G-A. GRCh37 (hg19) VCF-style: chr14-45658251-G-A.
Other names: c.5026G>A (NM_020937.3, LRG_502t1); c.4948G>A, p.Glu1650Lys (NM_001308133.2); short protein forms E1676K, E1650K.
Identifiers: ClinVar variation 526466 (VCV000526466.18), dbSNP rs769919966, ClinGen allele CA7169893.

ClinVar aggregate classification (germline): Conflicting classifications of pathogenicity. Review status: criteria provided, conflicting classifications (1 of 4 stars). 4 submissions from 4 submitters: Uncertain significance (2); Likely benign (2). Last evaluated 2026-01-31.

Conditions:
Hereditary breast ovarian cancer syndrome. Also called: Hereditary breast and ovarian cancer syndrome (HBOC); BRCA1- and BRCA2-Associated Hereditary Breast and Ovarian Cancer; Hereditary breast and/or ovarian cancer syndrome; Hereditary breast and ovarian cancer syndrome; Hereditary breast and ovarian cancer; Breast and ovarian cancer. Identifiers: Orphanet 145, MedGen C0677776, MeSH D061325, MONDO:0003582. Disease mechanism: loss of function.
FANCM-related disorder. Also called: FANCM-related condition.
Fanconi anemia (FA). Also called: Fanconi's anemia. Identifiers: Orphanet 84, MedGen C0015625, MeSH D005199, MONDO:0019391.

Allele frequency attached by ClinVar (database versions not stated): gnomAD 0.00006 and 0.00007; TOPMed 0.00011; ExAC 0.00018; gnomAD exomes 0.00021.
gnomAD v4.1: 92 of 1,613,942 alleles (0.0057%); highest among the groups gnomAD compares: East Asian, 0.2%; no homozygotes.

Submissions (4):

Labcorp Genetics (formerly Invitae), Labcorp
Classification: Likely benign for Fanconi anemia. Last evaluated: 2026-01-31. Review status: criteria provided, single submitter. Criteria: Invitae Variant Classification Sherloc (09022015). Collection method: clinical testing. Allele origin: germline.

GeneDx
Classification: Uncertain significance. Last evaluated: 2025-02-28. Review status: criteria provided, single submitter. Criteria: GeneDx Variant Classification Process June 2021. Collection method: clinical testing. Allele origin: germline. Affected: yes.
Comment: Observed in an individual with adenomatous polyposis who also carried a truncating APC variant (PMID: 31269945); In silico analysis supports that this missense variant has a deleterious effect on protein structure/function; This variant is associated with the following publications: (PMID: 27093186, 31269945, 32566746)

PreventionGenetics, part of Exact Sciences
Classification: Likely benign for FANCM-related condition. Last evaluated: 2024-12-19. Review status: criteria provided, single submitter. Criteria: ACMG Guidelines, 2015. Collection method: clinical testing. Allele origin: germline.
Comment: This variant is classified as likely benign based on ACMG/AMP sequence variant interpretation guidelines (Richards et al. 2015 PMID: 25741868, with internal and published modifications).

Cancer Genomics Group, Japanese Foundation For Cancer Research
Classification: Uncertain significance for Hereditary breast and ovarian cancer syndrome. Last evaluated: 2019-05-01. Review status: criteria provided, single submitter. Criteria: ACMG Guidelines, 2015. Collection method: research. Allele origin: germline. Affected: yes.